The following is an entry in ClinVar:

NM_019892.6(INPP5E):c.934_936del (p.Lys312del)

Gene: INPP5E (inositol polyphosphate-5-phosphatase E; minus strand). Cytogenetic location: 9q34.3.
Variant type: Deletion.
Coding change: c.934_936del on transcript NM_019892.6 (MANE Select); coding-DNA positions 934 to 936, 3 bases deleted (AAG; older notation c.934_936delAAG).
Protein change: p.Lys312del; deletes lysine 312.
Molecular consequence: inframe deletion.
Genome position (GRCh38, 1-based): chr9:136,434,740-136,434,742, CTT deleted on the plus strand (AAG on the coding strand, the reverse complement: INPP5E is on the minus strand); deleting any 3 consecutive bases within chr9:136,434,740-136,434,744 gives the same sequence; the c. name uses the placement nearest the transcript's 3' end. VCF-style (leftmost placement, unchanged base first): chr9-136434739-CCTT-C. GRCh37 (hg19) VCF-style: chr9-139329191-CCTT-C.
Other names: c.934_936del (NM_019892.4); c.934_936del, p.Lys312del (NM_001318502.2); short protein forms K312del.
Identifiers: ClinVar variation 2062768 (VCV002062768.7), dbSNP rs781316816, ClinGen allele CA5337036.
Genomic context (GRCh38, chr9:136,434,739, plus strand): 5'-ACCCGCCTTTGTCCAGCACCACCCCACCCTTCCCCGCCCAGCACCACCCACAGCCACTCA[CCTT>C]CTGGCCCTGCATGTTCCAGGTGGCCACGAAGAGTGCCACGTTCCGGTCTGGGAAGTAGCG-3'

ClinVar aggregate classification (germline): Uncertain significance. Review status: criteria provided, multiple submitters, no conflicts (2 of 4 stars). 4 submissions from 4 submitters: Uncertain significance (4). Last evaluated 2024-05-29.

Conditions:
Joubert syndrome. Also called: Familial aplasia of the vermis; JOUBERT-BOLTSHAUSER SYNDROME. Identifiers: Orphanet 475, MedGen C5979921, MONDO:0018772.
MORM syndrome (MORMS). Identifiers: Orphanet 75858, MedGen C1857802, MONDO:0012423, OMIM 610156.
Joubert syndrome 1 (JBTS1). Also called: CEREBELLOPARENCHYMAL DISORDER IV; Cerebellooculorenal syndrome 1. Identifiers: MedGen C4551568, MONDO:0008944, OMIM 213300.

Submissions (4):

GeneDx
Classification: Uncertain significance. Last evaluated: 2024-05-29. Review status: criteria provided, single submitter. Criteria: GeneDx Variant Classification Process June 2021. Collection method: clinical testing. Allele origin: germline. Affected: yes.
Comment: In-frame deletion of 1 amino acids in a non-repeat region; In silico analysis supports a deleterious effect on protein structure/function; Has not been previously published as pathogenic or benign to our knowledge; This variant is associated with the following publications: (PMID: 23386033)

Fulgent Genetics
Classification: Uncertain significance for Joubert syndrome 1; MORM syndrome. Last evaluated: 2024-05-22. Review status: criteria provided, single submitter. Criteria: ACMG Guidelines, 2015. Collection method: clinical testing. Allele origin: germline.

Labcorp Genetics (formerly Invitae), Labcorp
Classification: Uncertain significance for Joubert syndrome. Last evaluated: 2023-12-11. Review status: criteria provided, single submitter. Criteria: Invitae Variant Classification Sherloc (09022015). Collection method: clinical testing. Allele origin: germline.
Comment: This variant, c.934_936del, results in the deletion of 1 amino acid(s) of the INPP5E protein (p.Lys312del), but otherwise preserves the integrity of the reading frame. This variant is present in population databases (rs781316816, gnomAD 0.02%). This variant has not been reported in the literature in individuals affected with INPP5E-related conditions. ClinVar contains an entry for this variant (Variation ID: 2062768). Algorithms developed to predict the effect of sequence changes on RNA splicing suggest that this variant may disrupt the consensus splice site. In summary, the available evidence is currently insufficient to determine the role of this variant in disease. Therefore, it has been classified as a Variant of Uncertain Significance.

Blueprint Genetics
Classification: Uncertain significance. Last evaluated: 2019-02-22. Review status: criteria provided, single submitter. Criteria: ACMG Guidelines, 2015. Collection method: clinical testing. Allele origin: germline.